The following is an entry in ClinVar:

ClinVar aggregate classification (germline): Pathogenic (1 of 4 stars; one submission).

Conditions:
Retinoblastoma (RB1). Also called: RETINOBLASTOMA, SOMATIC. Identifiers: Orphanet 790, MedGen C0035335, MeSH D012175, MONDO:0008380, OMIM 180200, HP:0009919. Disease mechanism: loss of function. Inheritance: Both sporadic and heritable forms are tested..

Submission:

Labcorp Genetics (formerly Invitae), Labcorp
Classification: Pathogenic for Retinoblastoma. Last evaluated: 2022-10-11. Review status: criteria provided, single submitter. Criteria: Invitae Variant Classification Sherloc (09022015). Collection method: clinical testing. Allele origin: unknown.
Comment: The region of the RB1 gene that includes exon(s) 4 has been determined to be clinically significant (PMID: 8099255, 20090211; Invitae). Therefore, deletions that encompass that region are likely to be disease-causing. For these reasons, this variant has been classified as Pathogenic. This variant has not been reported in the literature in individuals affected with RB1-related conditions. This variant is a gross deletion of the genomic region encompassing exon(s) 3-27 of the RB1 gene, which includes the termination codon. This deletion extends beyond the assayed region for this gene and therefore may encompass additional genes. While this deletion is not anticipated to lead to nonsense mediated decay, it is expected to alter mRNA translation or result in a truncated protein product.

Literature cited by the submitters: PubMed 8099255; PubMed 20090211.

NC_000013.10:g.(?_48916725)_(49054207_?)del

Genes: LPAR6 (lysophosphatidic acid receptor 6; minus strand), RB1 (RB transcriptional corepressor 1; plus strand). Cytogenetic location: 13q14.2.
Variant type: Deletion.
Identifiers: ClinVar variation 3244128 (VCV003244128.1).